The following is an entry in ClinVar:

ClinVar aggregate classification (germline): Conflicting classifications of pathogenicity. Review status: criteria provided, conflicting classifications (1 of 4 stars). 3 submissions from 3 submitters: Likely pathogenic (2); Uncertain significance (1). Last evaluated 2026-05-07.

Conditions:
Maple syrup urine disease type 2 (MSUD2). Also called: Maple syrup urine disease, type II. Identifiers: MedGen C1855371, MONDO:0023693, OMIM 620699.
Maple syrup urine disease (MSUD). Identifiers: Orphanet 511, MedGen C0024776, MeSH D008375, MONDO:0009563. Disease mechanism: loss of function.

Submissions (3):

Myriad Genetics, Inc.
Classification: Uncertain significance for Maple syrup urine disease type 2. Last evaluated: 2026-05-07. Review status: criteria provided, single submitter. Criteria: Myriad Autosomal Dominant, Autosomal Recessive and X-Linked Classification Criteria (2023). Collection method: clinical testing. Allele origin: unknown.
Comment: NM_001918.3(DBT):c.394G>A(G132R) is a missense variant classified as a variant of uncertain significance in the context of maple syrup urine disease type II. G132R has been observed in a case with relevant disease (PMID: 16786533). Relevant functional assessments of this variant are not available in the literature. G132R has not been observed in referenced population frequency databases. In summary, there is insufficient evidence to classify NM_001918.3(DBT):c.394G>A(G132R) as pathogenic or benign. Please note: this variant was assessed in the context of healthy population screening.

Women's Health and Genetics/Laboratory Corporation of America, LabCorp
Classification: Likely pathogenic for Maple syrup urine disease. Last evaluated: 2024-10-30. Review status: criteria provided, single submitter. Criteria: LabCorp Variant Classification Summary - May 2015. Collection method: clinical testing. Allele origin: germline.
Comment: Variant summary: DBT c.394G>A (p.Gly132Arg) results in a non-conservative amino acid change located in the 2-oxoacid dehydrogenase acyltransferase, catalytic domain (IPR001078) of the encoded protein sequence. Five of five in-silico tools predict a damaging effect of the variant on protein function. The variant was absent in 250182 control chromosomes. c.394G>A has been reported in the literature in trans with a pathogenic variant in a compound heterozygous individual affected with Maple Syrup Urine Disease (Rodriguez-Pombo_2006). BCKD activity measured in intact fibroblasts from this individual was approximately 1% of normal activity, suggesting the variant disrupts protein function (Rodriguez-Pombo_2006). The following publication have been ascertained in the context of this evaluation (PMID: 16786533). ClinVar contains an entry for this variant (Variation ID: 2674733). Based on the evidence outlined above, the variant was classified as likely pathogenic.

Baylor Genetics
Classification: Likely pathogenic for Maple syrup urine disease type 1A. Last evaluated: 2023-05-07. Review status: criteria provided, single submitter. Criteria: ACMG Guidelines, 2015. Collection method: clinical testing. Allele origin: unknown.

Literature cited by the submitters: PubMed 16786533 (cited by Myriad Genetics, Inc. and Women's Health and Genetics/Laboratory Corporation of America, LabCorp).

NM_001918.5(DBT):c.394G>A (p.Gly132Arg)

Gene: DBT (dihydrolipoamide branched chain transacylase E2; minus strand). Cytogenetic location: 1p21.2.
Variant type: single nucleotide variant.
Coding change: c.394G>A on transcript NM_001918.5 (MANE Select); coding-DNA position 394, G replaced by A.
Protein change: p.Gly132Arg; replaces glycine 132 with arginine.
Molecular consequence: missense variant. On other transcripts: 5 prime UTR variant (2), non-coding transcript variant (3).
Genome position (GRCh38, 1-based): chr1:100,230,772, C>T on the plus strand (G>A on the coding strand, the complement: DBT is on the minus strand). VCF-style: chr1-100230772-C-T. GRCh37 (hg19) VCF-style: chr1-100696328-C-T.
Other names: c.-150G>A (NM_001399969.1, NM_001399972.1); short protein forms G132R.
Identifiers: ClinVar variation 2674733 (VCV002674733.3), dbSNP rs2524216359, ClinGen allele CA341343788.